The following is an entry in ClinVar:

NM_031220.4(PITPNM3):c.1898C>T (p.Thr633Met)

Gene: PITPNM3 (PITPNM family member 3; minus strand). Cytogenetic location: 17p13.2.
Variant type: single nucleotide variant.
Coding change: c.1898C>T on transcript NM_031220.4 (MANE Select); coding-DNA position 1898, C replaced by T.
Protein change: p.Thr633Met; replaces threonine 633 with methionine.
Molecular consequence: missense variant.
Genome position (GRCh38, 1-based): chr17:6,464,764, G>A on the plus strand (C>T on the coding strand, the complement: PITPNM3 is on the minus strand). VCF-style: chr17-6464764-G-A. GRCh37 (hg19) VCF-style: chr17-6368084-G-A.
Other names: c.1790C>T, p.Thr597Met (NM_001165966.2); short protein forms T597M, T633M.
Identifiers: ClinVar variation 1359140 (VCV001359140.6), dbSNP rs554874891, ClinGen allele CA8329331.
Genomic context (GRCh38, chr17:6,464,764, plus strand): 5'-CCCACCAGGACCTGGGGGCCATCTTCAGCAGCAATCACATCATTGGCCCGGTGATTAGCC[G>A]TGACATTCTGGAAGGACAGAAAGAAGCTGGCTCAGCCCTTGCAAGGGAGGCTCAACCTTG-3'
Protein context (NP_112497.2, residues 623-643): KRTQVKLRNV[Thr633Met]ANHRANDVIA

ClinVar aggregate classification (germline): Uncertain significance (1 of 4 stars; one submission).

Allele frequency attached by ClinVar (database versions not stated): gnomAD 0.00001 and 0.00003; gnomAD exomes 0.00001 and 0.00002; ExAC 0.00002; TOPMed 0.00002; 1000 Genomes Project 30x 0.00016; 1000 Genomes Project 0.00020.
gnomAD v4.1: 22 of 1,614,162 alleles (0.0014%); highest among the groups gnomAD compares: South Asian, 0.0055%; no homozygotes.

Submission:

Labcorp Genetics (formerly Invitae), Labcorp
Classification: Uncertain significance. Last evaluated: 2024-11-11. Review status: criteria provided, single submitter. Criteria: Invitae Variant Classification Sherloc (09022015). Collection method: clinical testing. Allele origin: germline.
Comment: This sequence change replaces threonine, which is neutral and polar, with methionine, which is neutral and non-polar, at codon 633 of the PITPNM3 protein (p.Thr633Met). This variant is present in population databases (rs554874891, gnomAD 0.006%). This missense change has been observed in individual(s) with retinitis pigmentosa (PMID: 24123792). ClinVar contains an entry for this variant (Variation ID: 1359140). Invitae Evidence Modeling of protein sequence and biophysical properties (such as structural, functional, and spatial information, amino acid conservation, physicochemical variation, residue mobility, and thermodynamic stability) has been performed for this missense variant. However, the output from this modeling did not meet the statistical confidence thresholds required to predict the impact of this variant on PITPNM3 protein function. In summary, the available evidence is currently insufficient to determine the role of this variant in disease. Therefore, it has been classified as a Variant of Uncertain Significance.

Literature cited by the submitters: PubMed 24123792.